The following is an entry in ClinVar:

ClinVar aggregate classification (germline): Uncertain significance. Review status: criteria provided, single submitter (1 of 4 stars). 3 submissions from 3 submitters: Uncertain significance (1). 2 of the submissions do not count toward it. Last evaluated 2022-07-19.

Conditions:
Smith-Lemli-Opitz syndrome (SLOS). Also called: POLYDACTYLY, SEX REVERSAL, RENAL HYPOPLASIA, AND UNILOBAR LUNG; RSH SYNDROME; RUTLEDGE LETHAL MULTIPLE CONGENITAL ANOMALY SYNDROME; LETHAL ACRODYSGENITAL SYNDROME; 7-Dehydrocholesterol reductase deficiency. Identifiers: Orphanet 818, MedGen C0175694, MONDO:0010035, OMIM 270400.
DHCR7-related disorder. Also called: DHCR7-related condition.

Allele frequency attached by ClinVar (database versions not stated): TOPMed below 0.00001; ExAC 0.00001; gnomAD 0.00001; gnomAD exomes 0.00001 and 0.00003.
gnomAD v4.1: 15 of 1,614,080 alleles (0.00093%); highest among the groups gnomAD compares: South Asian, 0.0066%; no homozygotes.

Submissions (3):

Labcorp Genetics (formerly Invitae), Labcorp
Classification: Uncertain significance for Smith-Lemli-Opitz syndrome. Last evaluated: 2022-07-19. Review status: criteria provided, single submitter. Criteria: Invitae Variant Classification Sherloc (09022015). Collection method: clinical testing. Allele origin: germline.
Comment: This sequence change replaces alanine, which is neutral and non-polar, with threonine, which is neutral and polar, at codon 162 of the DHCR7 protein (p.Ala162Thr). This variant is present in population databases (rs767716202, gnomAD 0.01%). This variant has not been reported in the literature in individuals affected with DHCR7-related conditions. ClinVar contains an entry for this variant (Variation ID: 1055477). Algorithms developed to predict the effect of missense changes on protein structure and function are either unavailable or do not agree on the potential impact of this missense change (SIFT: "Tolerated"; PolyPhen-2: "Possibly Damaging"; Align-GVGD: "Class C0"). In summary, the available evidence is currently insufficient to determine the role of this variant in disease. Therefore, it has been classified as a Variant of Uncertain Significance.

PreventionGenetics, part of Exact Sciences
Classification: Uncertain significance for DHCR7-related condition. Last evaluated: 2023-11-07. Review status: no assertion criteria provided. Collection method: clinical testing. Allele origin: germline. Not counted in ClinVar's aggregate classification.
Comment: The DHCR7 c.484G>A variant is predicted to result in the amino acid substitution p.Ala162Thr. To our knowledge, this variant has not been reported in the literature. This variant is reported in 0.013% of alleles in individuals of South Asian descent in gnomAD. At this time, the clinical significance of this variant is uncertain due to the absence of conclusive functional and genetic evidence.

Natera, Inc.
Classification: Uncertain significance for Smith-Lemli-Opitz syndrome. Last evaluated: 2019-09-27. Review status: no assertion criteria provided. Collection method: clinical testing. Allele origin: germline. Not counted in ClinVar's aggregate classification.

NM_001360.3(DHCR7):c.484G>A (p.Ala162Thr)

Gene: DHCR7 (7-dehydrocholesterol reductase; minus strand). Cytogenetic location: 11q13.4.
Variant type: single nucleotide variant.
Coding change: c.484G>A on transcript NM_001360.3 (MANE Select); coding-DNA position 484, G replaced by A.
Protein change: p.Ala162Thr; replaces alanine 162 with threonine.
Molecular consequence: missense variant.
Genome position (GRCh38, 1-based): chr11:71,441,369, C>T on the plus strand (G>A on the coding strand, the complement: DHCR7 is on the minus strand). VCF-style: chr11-71441369-C-T. GRCh37 (hg19) VCF-style: chr11-71152415-C-T.
Other names: c.484G>A, p.Ala162Thr (NM_001163817.2); c.484G>A (NM_001360.2); short protein forms A162T.
Identifiers: ClinVar variation 1055477 (VCV001055477.7), dbSNP rs767716202, ClinGen allele CA6162552.
Genomic context (GRCh38, chr11:71,441,369, plus strand): 5'-ACAGCAGTGGGATCCAGTTGTCGAAGATGATGGTGGGCGAGAACCAGGACAGGAGATGAG[C>T]GTTTGCAAACCAGAGCAGGTGCGTGAGGAGCCAGGCTTGCAGGCCATTGATCTGATACTT-3'
Protein context (NP_001351.2, residues 152-172): LLTHLLWFAN[Ala162Thr]HLLSWFSPTI